The following is an entry in ClinVar:

ClinVar aggregate classification (germline): Benign/Likely benign. Review status: criteria provided, multiple submitters, no conflicts (2 of 4 stars). 10 submissions from 9 submitters: Benign (7); Likely benign (1). 2 of the submissions do not count toward it. Last evaluated 2026-05-09.

Conditions:
Familial hyperthyroidism due to mutations in TSH receptor. Also called: HYPERTHYROIDISM, CONGENITAL NONAUTOIMMUNE; HYPERTHYROIDISM, NONAUTOIMMUNE, AUTOSOMAL DOMINANT; TOXIC THYROID HYPERPLASIA, AUTOSOMAL DOMINANT. Identifiers: Orphanet 424, MedGen C1836706, MONDO:0012203, OMIM 609152.
Hypothyroidism due to TSH receptor mutations. Also called: Hypothyroidism, congenital, nongoitrous, 1; HYPOTHYROIDISM DUE TO UNRESPONSIVENESS TO THYROTROPIN; HYPOTHYROIDISM, CONGENITAL, DUE TO TSH RESISTANCE; HYPOTHYROIDISM, NONAUTOIMMUNE; THYROID-STIMULATING HORMONE, RESISTANCE TO; TSH RESISTANCE. Identifiers: Orphanet 90673, MedGen C3493776, MONDO:0010142, OMIM 275200.

Allele frequency attached by ClinVar (database versions not stated): gnomAD exomes 0.14933 and 0.18007; ExAC 0.18866; gnomAD 0.25718 and 0.26331; ESP Exome Variant Server 0.26880; TOPMed 0.27067; 1000 Genomes Project 0.29972; 1000 Genomes Project 30x 0.30262.
gnomAD v4.1: 257,815 of 1,610,764 alleles (16%); highest among the groups gnomAD compares: African/African-American, 55%; 28,193 homozygotes.

Submissions (10):

Women's Health and Genetics/Laboratory Corporation of America, LabCorp
Classification: Benign. Last evaluated: 2026-05-09. Review status: criteria provided, single submitter. Criteria: LabCorp Variant Classification Summary - May 2015. Collection method: clinical testing. Allele origin: germline.

Labcorp Genetics (formerly Invitae), Labcorp
Classification: Benign. Last evaluated: 2026-02-04. Review status: criteria provided, single submitter. Criteria: Invitae Variant Classification Sherloc (09022015). Collection method: clinical testing. Allele origin: germline.

Blueprint Genetics
Classification: Likely benign. Last evaluated: 2024-11-27. Review status: criteria provided, single submitter. Criteria: ACMG Guidelines, 2015. Collection method: clinical testing. Allele origin: germline.

GeneDx
Classification: Benign. Last evaluated: 2018-11-12. Review status: criteria provided, single submitter. Criteria: GeneDx Variant Classification Process June 2021. Collection method: clinical testing. Allele origin: germline. Affected: yes.

Illumina Laboratory Services, Illumina
Classification: Benign for Hypothyroidism due to TSH receptor mutations. Last evaluated: 2018-01-13. Review status: criteria provided, single submitter. Criteria: ICSL Variant Classification Criteria 13 December 2019. Collection method: clinical testing. Allele origin: germline.
Comment: This variant was observed in the ICSL laboratory as part of a predisposition screen in an ostensibly healthy population. It had not been previously curated by ICSL or reported in the Human Gene Mutation Database (HGMD: prior to June 1st, 2018), and was therefore a candidate for classification through an automated scoring system. Utilizing variant allele frequency, disease prevalence and penetrance estimates, and inheritance mode, an automated score was calculated to assess if this variant is too frequent to cause the disease. Based on the score and internal cut-off values, a variant classified as benign is not then subjected to further curation. The score for this variant resulted in a classification of benign for this disease.

Illumina Laboratory Services, Illumina
Classification: Benign for Familial hyperthyroidism due to mutations in TSH receptor. Last evaluated: 2018-01-13. Review status: criteria provided, single submitter. Criteria: ICSL Variant Classification Criteria 13 December 2019. Collection method: clinical testing. Allele origin: germline.
Comment: the same text as in the submission from Illumina Laboratory Services, Illumina above.

Breakthrough Genomics
Classification: Benign. Review status: criteria provided, single submitter. Criteria: ACMG Guidelines, 2015. Collection method: not provided. Allele origin: germline. Inheritance: Autosomal recessive inheritance. Affected: yes.

PreventionGenetics, part of Exact Sciences
Classification: Benign. Review status: criteria provided, single submitter. Criteria: ACMG Guidelines, 2015. Collection method: clinical testing. Allele origin: germline.

Clinical Genetics DNA and cytogenetics Diagnostics Lab, Erasmus MC, Erasmus Medical Center
Classification: Benign. Review status: no assertion criteria provided. Collection method: clinical testing. Allele origin: germline. Affected: yes. Study: VKGL Data-share Consensus. Not counted in ClinVar's aggregate classification.

Clinical Genetics, Academic Medical Center
Classification: Benign. Review status: no assertion criteria provided. Collection method: clinical testing. Allele origin: germline. Affected: yes. Study: VKGL Data-share Consensus. Not counted in ClinVar's aggregate classification.

NM_000369.5(TSHR):c.545+13A>G

Genes: TSHR (thyroid stimulating hormone receptor; plus strand), TSHR-AS1 (TSHR antisense RNA 1; minus strand). Cytogenetic location: 14q31.1.
Variant type: single nucleotide variant.
Coding change: c.545+13A>G on transcript NM_000369.5 (MANE Select); 13 bases into the intron after coding-DNA position 545, A replaced by G.
Molecular consequence: intron variant.
Genome position (GRCh38, 1-based): chr14:81,092,621, A>G. VCF-style: chr14-81092621-A-G. GRCh37 (hg19) VCF-style: chr14-81558965-A-G.
Other names: c.545+13A>G (NM_001142626.3, NM_001018036.3).
Identifiers: ClinVar variation 255952 (VCV000255952.16), dbSNP rs2241119, ClinGen allele CA7294173.